The following is an entry in ClinVar:

NM_001164508.2(NEB):c.4298A>C (p.Asp1433Ala)

Gene: NEB (nebulin; minus strand). Cytogenetic location: 2q23.3.
Variant type: single nucleotide variant.
Coding change: c.4298A>C on transcript NM_001164508.2 (MANE Select); coding-DNA position 4298, A replaced by C.
Protein change: p.Asp1433Ala; replaces aspartic acid 1433 with alanine.
Molecular consequence: missense variant.
Genome position (GRCh38, 1-based): chr2:151,672,370, T>G on the plus strand (A>C on the coding strand, the complement: NEB is on the minus strand). VCF-style: chr2-151672370-T-G. GRCh37 (hg19) VCF-style: chr2-152528884-T-G.
Other names: c.4298A>C, p.Asp1433Ala (NM_001164507.2, NM_001271208.2, NM_004543.5); c.4298A>C (NM_004543.4); short protein forms D1433A.
Identifiers: ClinVar variation 3703736 (VCV003703736.3).

ClinVar aggregate classification (germline): Uncertain significance. Review status: criteria provided, multiple submitters, no conflicts (2 of 4 stars). 2 submissions from 2 submitters: Uncertain significance (2). Last evaluated 2024-12-17.

Conditions:
Nemaline myopathy 2 (NEM2). Also called: Nemaline myopathy 2, autosomal recessive. Identifiers: MedGen C1850569, MONDO:0009725, OMIM 256030.
Inborn genetic diseases. Identifiers: MedGen C0950123, MeSH D030342.

gnomAD v4.1: 25 of 1,588,706 alleles (0.0016%); highest among the groups gnomAD compares: Non-Finnish European, 0.002%; no homozygotes.

Submissions (2):

Ambry Genetics
Classification: Uncertain significance for Inborn genetic diseases. Last evaluated: 2024-12-17. Review status: criteria provided, single submitter. Criteria: Ambry Variant Classification Scheme 2023. Collection method: clinical testing. Allele origin: germline.

Labcorp Genetics (formerly Invitae), Labcorp
Classification: Uncertain significance for Nemaline myopathy 2. Last evaluated: 2024-04-06. Review status: criteria provided, single submitter. Criteria: Invitae Variant Classification Sherloc (09022015). Collection method: clinical testing. Allele origin: germline.
Comment: This sequence change replaces aspartic acid, which is acidic and polar, with alanine, which is neutral and non-polar, at codon 1433 of the NEB protein (p.Asp1433Ala). This variant is present in population databases (rs376013221, gnomAD 0.003%). This variant has not been reported in the literature in individuals affected with NEB-related conditions. Experimental studies and prediction algorithms are not available or were not evaluated, and the functional significance of this variant is currently unknown. In summary, the available evidence is currently insufficient to determine the role of this variant in disease. Therefore, it has been classified as a Variant of Uncertain Significance.